The following is an entry in ClinVar:

NM_001278293.3(ARL6):c.185+5T>C

Gene: ARL6 (ARF like GTPase 6; plus strand). Cytogenetic location: 3q11.2.
Variant type: single nucleotide variant.
Coding change: c.185+5T>C on transcript NM_001278293.3 (MANE Select); 5 bases into the intron after coding-DNA position 185, T replaced by C.
Molecular consequence: intron variant.
Genome position (GRCh38, 1-based): chr3:97,780,225, T>C. VCF-style: chr3-97780225-T-C. GRCh37 (hg19) VCF-style: chr3-97499069-T-C.
Other names: c.185+5T>C (NM_032146.5, NM_177976.3, NM_001323513.2 and 1 more transcripts).
Identifiers: ClinVar variation 3352048 (VCV003352048.1).

ClinVar aggregate classification (germline): Likely benign (0 of 4 stars; one submission).

Conditions:
ARL6-related disorder. Also called: ARL6-related condition.

Submission:

PreventionGenetics, part of Exact Sciences
Classification: Likely benign for ARL6-related condition. Last evaluated: 2020-06-30. Review status: no assertion criteria provided. Collection method: clinical testing. Allele origin: germline.
Comment: This variant is classified as likely benign based on ACMG/AMP sequence variant interpretation guidelines (Richards et al. 2015 PMID: 25741868, with internal and published modifications).